The following is an entry in ClinVar:

NM_001365951.3(KIF1B):c.5092C>G (p.Pro1698Ala)

Gene: KIF1B (kinesin family member 1B; plus strand). Cytogenetic location: 1p36.22.
Variant type: single nucleotide variant.
Coding change: c.5092C>G on transcript NM_001365951.3 (MANE Select); coding-DNA position 5092, C replaced by G.
Protein change: p.Pro1698Ala; replaces proline 1698 with alanine.
Molecular consequence: missense variant.
Genome position (GRCh38, 1-based): chr1:10,374,461, C>G. VCF-style: chr1-10374461-C-G. GRCh37 (hg19) VCF-style: chr1-10434519-C-G.
Other names: c.5092C>G, p.Pro1698Ala (NM_001365952.1); c.4954C>G, p.Pro1652Ala (NM_015074.3); short protein forms P1652A, P1698A.
Identifiers: ClinVar variation 1719356 (VCV001719356.5), dbSNP rs2521978555, ClinGen allele CA338329925.

ClinVar aggregate classification (germline): Uncertain significance (1 of 4 stars; one submission).

Conditions:
Charcot-Marie-Tooth disease type 2. Also called: Charcot-Marie-Tooth type 2. Identifiers: Orphanet 64746, MedGen C0270914, MONDO:0018993.

Submission:

Labcorp Genetics (formerly Invitae), Labcorp
Classification: Uncertain significance for Charcot-Marie-Tooth disease type 2. Last evaluated: 2022-09-13. Review status: criteria provided, single submitter. Criteria: Invitae Variant Classification Sherloc (09022015). Collection method: clinical testing. Allele origin: germline.
Comment: In summary, the available evidence is currently insufficient to determine the role of this variant in disease. Therefore, it has been classified as a Variant of Uncertain Significance. Algorithms developed to predict the effect of missense changes on protein structure and function output the following: SIFT: "Tolerated"; PolyPhen-2: "Probably Damaging"; Align-GVGD: "Class C0". The alanine amino acid residue is found in multiple mammalian species, which suggests that this missense change does not adversely affect protein function. This variant has not been reported in the literature in individuals affected with KIF1B-related conditions. This variant is not present in population databases (gnomAD no frequency). This sequence change replaces proline, which is neutral and non-polar, with alanine, which is neutral and non-polar, at codon 1652 of the KIF1B protein (p.Pro1652Ala).